The following is an entry in ClinVar:

ClinVar aggregate classification (germline): Uncertain significance. Review status: criteria provided, multiple submitters, no conflicts (2 of 4 stars). 3 submissions from 3 submitters: Uncertain significance (3). Last evaluated 2024-08-19.

Conditions:
Hereditary nonpolyposis colorectal neoplasms. Identifiers: MedGen C0009405, MeSH D003123.
Lynch syndrome. Identifiers: Orphanet 144, MedGen C4552100, MONDO:0005835. Disease mechanism: loss of function.
Hereditary cancer-predisposing syndrome. Also called: Neoplastic Syndromes, Hereditary; Hereditary neoplastic syndrome; Tumor predisposition; Hereditary Cancer Syndrome. Identifiers: Orphanet 140162, MedGen C0027672, MeSH D009386, MONDO:0015356.

Submissions (3):

Color Diagnostics, LLC DBA Color Health
Classification: Uncertain significance for Hereditary cancer-predisposing syndrome. Last evaluated: 2024-08-19. Review status: criteria provided, single submitter. Criteria: ACMG Guidelines, 2015. Collection method: clinical testing. Allele origin: germline.
Comment: This missense variant replaces lysine with glutamic acid at codon 1004 of the MSH6 protein. Computational prediction suggests that this variant may have deleterious impact on protein structure and function (internally defined REVEL score threshold >= 0.7, PMID: 27666373). To our knowledge, functional studies have not been reported for this variant. This variant has not been reported in individuals affected with MSH6-related disorders in the literature. This variant has not been identified in the general population by the Genome Aggregation Database (gnomAD). The available evidence is insufficient to determine the role of this variant in disease conclusively. Therefore, this variant is classified as a Variant of Uncertain Significance.

Labcorp Genetics (formerly Invitae), Labcorp
Classification: Uncertain significance for Hereditary nonpolyposis colorectal neoplasms. Last evaluated: 2024-06-30. Review status: criteria provided, single submitter. Criteria: Invitae Variant Classification Sherloc (09022015). Collection method: clinical testing. Allele origin: germline.
Comment: This sequence change replaces lysine, which is basic and polar, with glutamic acid, which is acidic and polar, at codon 1004 of the MSH6 protein (p.Lys1004Glu). This variant is not present in population databases (gnomAD no frequency). This variant has not been reported in the literature in individuals affected with MSH6-related conditions. ClinVar contains an entry for this variant (Variation ID: 619581). Advanced modeling of protein sequence and biophysical properties (such as structural, functional, and spatial information, amino acid conservation, physicochemical variation, residue mobility, and thermodynamic stability) has been performed at Invitae for this missense variant, however the output from this modeling did not meet the statistical confidence thresholds required to predict the impact of this variant on MSH6 protein function. In summary, the available evidence is currently insufficient to determine the role of this variant in disease. Therefore, it has been classified as a Variant of Uncertain Significance.

University of Washington Department of Laboratory Medicine, University of Washington
Classification: Uncertain significance for Lynch syndrome. Last evaluated: 2018-05-01. Review status: criteria provided, single submitter. Criteria: Shirts BH et al. (Am J Hum Genet 2018). Collection method: clinical testing. Allele origin: somatic. Affected: yes.
Comment: MSH6 NM_000179.2:c.3010A>G has a 93.3% probability of pathogenicity based on combining prior probability from public data with a likelihood ratio of 1.56 to 1, generated from evidence of seeing this as a somatic mutation in a tumor without loss of heterozygosity at the MSH6 locus. See Shirts et al 2018, PMID 29887214.

NM_000179.3(MSH6):c.3010A>G (p.Lys1004Glu)

Gene: MSH6 (mutS homolog 6; plus strand). Cytogenetic location: 2p16.3.
Variant type: single nucleotide variant.
Coding change: c.3010A>G on transcript NM_000179.3 (MANE Select); coding-DNA position 3010, A replaced by G.
Protein change: p.Lys1004Glu; replaces lysine 1004 with glutamic acid.
Molecular consequence: missense variant.
Genome position (GRCh38, 1-based): chr2:47,800,993, A>G. VCF-style: chr2-47800993-A-G. GRCh37 (hg19) VCF-style: chr2-48028132-A-G.
Other names: c.2620A>G, p.Lys874Glu (NM_001281492.2); c.2104A>G, p.Lys702Glu (NM_001281493.2, NM_001281494.2); short protein forms K1004E, K702E, K874E.
Identifiers: ClinVar variation 619581 (VCV000619581.6), dbSNP rs1558667702, ClinGen allele CA346756417.